The following is an entry in ClinVar:

ClinVar aggregate classification (germline): Benign. Review status: criteria provided, multiple submitters, no conflicts (2 of 4 stars). 3 submissions from 3 submitters: Benign (2). 1 of the submissions does not count toward it. Last evaluated 2026-01-26.

Allele frequency attached by ClinVar (database versions not stated): gnomAD exomes 0.00089 and 0.00250; ExAC 0.00291; gnomAD 0.00930 and 0.00982; TOPMed 0.01067; ESP Exome Variant Server 0.01123; 1000 Genomes Project 0.01138; 1000 Genomes Project 30x 0.01296.
gnomAD v4.1: 2,823 of 1,614,214 alleles (0.17%); highest among the groups gnomAD compares: African/African-American, 3.2%; 39 homozygotes.

Submissions (3):

Labcorp Genetics (formerly Invitae), Labcorp
Classification: Benign. Last evaluated: 2026-01-26. Review status: criteria provided, single submitter. Criteria: Invitae Variant Classification Sherloc (09022015). Collection method: clinical testing. Allele origin: germline.

Breakthrough Genomics
Classification: Benign. Review status: criteria provided, single submitter. Criteria: ACMG Guidelines, 2015. Collection method: not provided. Allele origin: germline. Inheritance: Autosomal recessive inheritance. Affected: yes.

Genetic Services Laboratory, University of Chicago
Classification: Likely benign for AllHighlyPenetrant. Review status: no assertion criteria provided. Collection method: clinical testing. Allele origin: germline. Inheritance: Autosomal recessive inheritance. Not counted in ClinVar's aggregate classification.
Comment: Likely benign based on allele frequency in 1000 Genomes Project or ESP global frequency and its presence in a patient with a rare or unrelated disease phenotype. NOT Sanger confirmed.

NM_020921.4(NIN):c.600T>C (p.Gly200=)

Gene: NIN (ninein; minus strand). Cytogenetic location: 14q22.1.
Variant type: single nucleotide variant.
Coding change: c.600T>C on transcript NM_020921.4 (MANE Select); coding-DNA position 600, T replaced by C.
Protein change: p.Gly200=; no amino-acid change (glycine 200 retained).
Molecular consequence: synonymous variant.
Genome position (GRCh38, 1-based): chr14:50,777,015, A>G on the plus strand (T>C on the coding strand, the complement: NIN is on the minus strand). VCF-style: chr14-50777015-A-G. GRCh37 (hg19) VCF-style: chr14-51243733-A-G.
Other names: c.600T>C, p.Gly200= (NM_016350.5, NM_182944.3, NM_182946.2).
Identifiers: ClinVar variation 129800 (VCV000129800.16), dbSNP rs61740039, ClinGen allele CA154114.
Genomic context (GRCh38, chr14:50,777,015, plus strand): 5'-ATCCACATTCTGTAAACCATACTGCTCACAGATGGAGACCAGCTTCTTCCGGTTCAGGTG[A>G]CCATCACGGGTGATCCCCAAATCTTCACAAACTTCTTGCAGTTTCTCTTCTATCCAGTCT-3'
Protein context (NP_065972.4, residues 190-210): VCEDLGITRD[Gly200=]HLNRKKLVSI